The following is an entry in ClinVar:

ClinVar aggregate classification (germline): Uncertain significance (1 of 4 stars; one submission).

Conditions:
Cardiovascular phenotype. Identifiers: MedGen CN230736.

gnomAD v4.1: 1 of 1,613,852 alleles (0.000062%); highest among the groups gnomAD compares: Non-Finnish European, 0.000085%; no homozygotes.

Submission:

Ambry Genetics
Classification: Uncertain significance for Cardiovascular phenotype. Last evaluated: 2026-01-21. Review status: criteria provided, single submitter. Criteria: Ambry Variant Classification Scheme 2023. Collection method: clinical testing. Allele origin: germline.
Comment: The p.D1946N variant (also known as c.5836G>A), located in coding exon 24 of the AKAP9 gene, results from a G to A substitution at nucleotide position 5836. The aspartic acid at codon 1946 is replaced by asparagine, an amino acid with highly similar properties. This amino acid position is conserved. In addition, this alteration is predicted to be tolerated by in silico analysis. Based on the available evidence, the clinical significance of this variant remains unclear.

NM_005751.5(AKAP9):c.5836G>A (p.Asp1946Asn)

Gene: AKAP9 (A-kinase anchoring protein 9; plus strand). Cytogenetic location: 7q21.2.
Variant type: single nucleotide variant.
Coding change: c.5836G>A on transcript NM_005751.5 (MANE Select); coding-DNA position 5836, G replaced by A.
Protein change: p.Asp1946Asn; replaces aspartic acid 1946 with asparagine.
Molecular consequence: missense variant.
Genome position (GRCh38, 1-based): chr7:92,062,345, G>A. VCF-style: chr7-92062345-G-A. GRCh37 (hg19) VCF-style: chr7-91691659-G-A.
Other names: c.481G>A, p.Asp161Asn (NM_001379277.1); c.5836G>A, p.Asp1946Asn (NM_147185.3); short protein forms D161N, D1946N.
Identifiers: ClinVar variation 4845161 (VCV004845161.1).